The following is an entry in ClinVar:

NM_031483.7(ITCH):c.38G>C (p.Ser13Thr)

Gene: ITCH (itchy E3 ubiquitin protein ligase; plus strand). Cytogenetic location: 20q11.22.
Variant type: single nucleotide variant.
Coding change: c.38G>C on transcript NM_031483.7 (MANE Select); coding-DNA position 38, G replaced by C.
Protein change: p.Ser13Thr; replaces serine 13 with threonine.
Molecular consequence: missense variant. On other transcripts: 5 prime UTR variant (1).
Genome position (GRCh38, 1-based): chr20:34,393,849, G>C. VCF-style: chr20-34393849-G-C. GRCh37 (hg19) VCF-style: chr20-32981655-G-C.
Other names: c.38G>C, p.Ser13Thr (NM_001257137.3, NM_001324197.2, NM_001324198.2); c.-151G>C (NM_001257138.3); short protein forms S13T.
Identifiers: ClinVar variation 1491891 (VCV001491891.5), dbSNP rs775405660, ClinGen allele CA313391167.

ClinVar aggregate classification (germline): Uncertain significance (1 of 4 stars; one submission).

Conditions:
Syndromic multisystem autoimmune disease due to ITCH deficiency. Also called: AUTOIMMUNE DISEASE, MULTISYSTEM, WITH FACIAL DYSMORPHISM. Identifiers: Orphanet 228426, MedGen C3150649, MONDO:0013245, OMIM 613385.

Allele frequency attached by ClinVar (database versions not stated): gnomAD 0.00001; gnomAD exomes 0.00001; TOPMed 0.00001.
gnomAD v4.1: 14 of 1,613,940 alleles (0.00087%); highest among the groups gnomAD compares: Non-Finnish European, 0.0012%; no homozygotes.

Submission:

Labcorp Genetics (formerly Invitae), Labcorp
Classification: Uncertain significance for Syndromic multisystem autoimmune disease due to ITCH deficiency. Last evaluated: 2022-07-19. Review status: criteria provided, single submitter. Criteria: Invitae Variant Classification Sherloc (09022015). Collection method: clinical testing. Allele origin: germline.
Comment: This sequence change replaces serine, which is neutral and polar, with threonine, which is neutral and polar, at codon 13 of the ITCH protein (p.Ser13Thr). This variant is not present in population databases (gnomAD no frequency). This variant has not been reported in the literature in individuals affected with ITCH-related conditions. ClinVar contains an entry for this variant (Variation ID: 1491891). Algorithms developed to predict the effect of missense changes on protein structure and function are either unavailable or do not agree on the potential impact of this missense change (SIFT: "Not Available"; PolyPhen-2: "Benign"; Align-GVGD: "Not Available"). In summary, the available evidence is currently insufficient to determine the role of this variant in disease. Therefore, it has been classified as a Variant of Uncertain Significance.